The following is an entry in ClinVar:

NM_000136.3(FANCC):c.901G>A (p.Ala301Thr)

Genes: FANCC (FA complementation group C; minus strand), AOPEP (aminopeptidase O (putative); plus strand). Cytogenetic location: 9q22.32.
Variant type: single nucleotide variant.
Coding change: c.901G>A on transcript NM_000136.3 (MANE Select); coding-DNA position 901, G replaced by A.
Protein change: p.Ala301Thr; replaces alanine 301 with threonine.
Molecular consequence: missense variant.
Genome position (GRCh38, 1-based): chr9:95,125,181, C>T on the plus strand (G>A on the coding strand, the complement: FANCC is on the minus strand). VCF-style: chr9-95125181-C-T. GRCh37 (hg19) VCF-style: chr9-97887463-C-T.
Other names: c.901G>A, p.Ala301Thr (NM_001243743.2, NM_001243744.2); short protein forms A301T.
Identifiers: ClinVar variation 822902 (VCV000822902.14), dbSNP rs972738983, ClinGen allele CA196556101.

ClinVar aggregate classification (germline): Uncertain significance. Review status: criteria provided, multiple submitters, no conflicts (2 of 4 stars). 4 submissions from 4 submitters: Uncertain significance (3). 1 of the submissions does not count toward it. Last evaluated 2026-01-05.

Conditions:
Fanconi anemia (FA). Also called: Fanconi's anemia. Identifiers: Orphanet 84, MedGen C0015625, MeSH D005199, MONDO:0019391.
Fanconi anemia complementation group C (FANCC). Also called: FANCONI PANCYTOPENIA, TYPE 3; FACC; FANCC-Related Fanconi Anemia; Fanconi anemia, group C. Identifiers: Orphanet 84, MedGen C3468041, MONDO:0009213, OMIM 227645.
Hereditary cancer-predisposing syndrome. Also called: Tumor predisposition; Hereditary Cancer Syndrome; Neoplastic Syndromes, Hereditary; Hereditary neoplastic syndrome. Identifiers: Orphanet 140162, MedGen C0027672, MeSH D009386, MONDO:0015356.

Allele frequency attached by ClinVar (database versions not stated): gnomAD exomes below 0.00001; TOPMed 0.00001.
gnomAD v4.1: 2 of 1,613,412 alleles (0.00012%); highest among the groups gnomAD compares: Admixed American, 0.0033%; no homozygotes.

Submissions (4):

Labcorp Genetics (formerly Invitae), Labcorp
Classification: Uncertain significance for Fanconi anemia. Last evaluated: 2026-01-05. Review status: criteria provided, single submitter. Criteria: Invitae Variant Classification Sherloc (09022015). Collection method: clinical testing. Allele origin: germline.
Comment: This sequence change replaces alanine, which is neutral and non-polar, with threonine, which is neutral and polar, at codon 301 of the FANCC protein (p.Ala301Thr). This variant is present in population databases (no rsID available, gnomAD 0.003%). This variant has not been reported in the literature in individuals affected with FANCC-related conditions. ClinVar contains an entry for this variant (Variation ID: 822902). Invitae Evidence Modeling of protein sequence and biophysical properties (such as structural, functional, and spatial information, amino acid conservation, physicochemical variation, residue mobility, and thermodynamic stability) indicates that this missense variant is not expected to disrupt FANCC protein function with a negative predictive value of 80%. In summary, the available evidence is currently insufficient to determine the role of this variant in disease. Therefore, it has been classified as a Variant of Uncertain Significance.

Ambry Genetics
Classification: Uncertain significance for Hereditary cancer-predisposing syndrome. Last evaluated: 2024-10-02. Review status: criteria provided, single submitter. Criteria: Ambry Variant Classification Scheme 2023. Collection method: clinical testing. Allele origin: germline.
Comment: The p.A301T variant (also known as c.901G>A), located in coding exon 9 of the FANCC gene, results from a G to A substitution at nucleotide position 901. The alanine at codon 301 is replaced by threonine, an amino acid with similar properties. This amino acid position is not well conserved in available vertebrate species. In addition, this alteration is predicted to be tolerated by in silico analysis. Based on the available evidence, the clinical significance of this variant remains unclear.

Genetic Services Laboratory, University of Chicago
Classification: Uncertain significance. Last evaluated: 2021-03-03. Review status: criteria provided, single submitter. Criteria: ACMG Guidelines, 2015. Collection method: clinical testing. Allele origin: germline. Affected: no.
Comment: DNA sequence analysis of the FANCC gene demonstrated a sequence change, c.901G>A, in exon 10 that results in an amino acid change, p.Ala301Thr. This sequence change has been described in gnomAD with a low population frequency of 0.00040% (dbSNP rs972738983). The p.Ala301Thr change affects a moderately conserved amino acid residue located in a domain of the FANCC protein that is known to be functional. The p.Ala301Thr substitution appears to be benign using several in-silico pathogenicity prediction tools (SIFT, PolyPhen2, Align GVGD, REVEL). This sequence change does not appear to have been previously described in patients with FANCC-related disorders. Due to the lack of sufficient evidences, the clinical significance of the p.Ala301Thr change remains unknown at this time.

Natera, Inc.
Classification: Uncertain significance for Fanconi anemia, group C. Last evaluated: 2020-09-16. Review status: no assertion criteria provided. Collection method: clinical testing. Allele origin: germline. Not counted in ClinVar's aggregate classification.